The following is an entry in ClinVar:

NM_201384.3(PLEC):c.1808A>G (p.Lys603Arg)

Gene: PLEC (plectin; minus strand). Cytogenetic location: 8q24.3.
Variant type: single nucleotide variant.
Coding change: c.1808A>G on transcript NM_201384.3 (MANE Select); coding-DNA position 1808, A replaced by G.
Protein change: p.Lys603Arg; replaces lysine 603 with arginine.
Molecular consequence: missense variant.
Genome position (GRCh38, 1-based): chr8:143,932,642, T>C on the plus strand (A>G on the coding strand, the complement: PLEC is on the minus strand). VCF-style: chr8-143932642-T-C. GRCh37 (hg19) VCF-style: chr8-145006810-T-C.
Other names: c.1889A>G, p.Lys630Arg (NM_000445.5, NM_001410941.1); c.1766A>G, p.Lys589Arg (NM_201378.4); c.1742A>G, p.Lys581Arg (NM_201379.3); c.2219A>G, p.Lys740Arg (NM_201380.4); c.1712A>G, p.Lys571Arg (NM_201381.3); c.1808A>G, p.Lys603Arg (NM_201382.4); c.1820A>G, p.Lys607Arg (NM_201383.3); short protein forms K571R, K581R, K589R, K603R, K607R, K630R, K740R.
Identifiers: ClinVar variation 3758227 (VCV003758227.2).

ClinVar aggregate classification (germline): Uncertain significance (1 of 4 stars; one submission).

Conditions:
Epidermolysis bullosa simplex with nail dystrophy (EBS5D). Identifiers: MedGen C4225309, MONDO:0014661, OMIM 616487.
Epidermolysis bullosa simplex, Ogna type (EBS5A). Also called: Pidermolysis bullosa simplex 5A, Ogna type; EPIDERMOLYSIS BULLOSA SIMPLEX 5A, OGNA TYPE. Identifiers: Orphanet 79401, MedGen C0432317, MONDO:0007555, OMIM 131950.
Autosomal recessive limb-girdle muscular dystrophy type 2Q (LGMDR17). Also called: MUSCULAR DYSTROPHY, LIMB-GIRDLE, AUTOSOMAL RECESSIVE 17. Identifiers: Orphanet 254361, MedGen C3150989, MONDO:0013390, OMIM 613723.
Epidermolysis bullosa simplex 5B, with muscular dystrophy (EBS5B). Also called: EPIDERMOLYSIS BULLOSA SIMPLEX AND LIMB-GIRDLE MUSCULAR DYSTROPHY; Epidermolysis bullosa simplex with muscular dystrophy. Identifiers: Orphanet 257, MedGen C2931072, MONDO:0009181, OMIM 226670.
Epidermolysis bullosa simplex 5C, with pyloric atresia (EBS5C). Also called: PLEC-Related Epidermolysis Bullosa with Pyloric Atresia; Epidermolysis bullosa simplex with pyloric atresia; PLEC1-Related Epidermolysis Bullosa with Pyloric Atresia. Identifiers: Orphanet 158684, MedGen C2677349, MONDO:0012807, OMIM 612138.

gnomAD v4.1: 2 of 1,610,918 alleles (0.00012%); highest among the groups gnomAD compares: East Asian, 0.0045%; no homozygotes.

Submission:

Labcorp Genetics (formerly Invitae), Labcorp
Classification: Uncertain significance for Autosomal recessive limb-girdle muscular dystrophy type 2Q; Epidermolysis bullosa simplex, Ogna type; Epidermolysis bullosa simplex with nail dystrophy; Epidermolysis bullosa simplex 5C, with pyloric atresia; Epidermolysis bullosa simplex 5B, with muscular dystrophy. Last evaluated: 2024-07-29. Review status: criteria provided, single submitter. Criteria: Invitae Variant Classification Sherloc (09022015). Collection method: clinical testing. Allele origin: germline.
Comment: This sequence change replaces lysine, which is basic and polar, with arginine, which is basic and polar, at codon 630 of the PLEC protein (p.Lys630Arg). The frequency data for this variant in the population databases is considered unreliable, as metrics indicate poor data quality at this position in the gnomAD database. This variant has not been reported in the literature in individuals affected with PLEC-related conditions. Advanced modeling of protein sequence and biophysical properties (such as structural, functional, and spatial information, amino acid conservation, physicochemical variation, residue mobility, and thermodynamic stability) performed at Invitae indicates that this missense variant is not expected to disrupt PLEC protein function with a negative predictive value of 80%. In summary, the available evidence is currently insufficient to determine the role of this variant in disease. Therefore, it has been classified as a Variant of Uncertain Significance.